The following is an entry in ClinVar:

ClinVar aggregate classification (germline): Uncertain significance (1 of 4 stars; one submission).

Allele frequency attached by ClinVar (database versions not stated): gnomAD 0.00001; ExAC 0.00002; TOPMed 0.00002; 1000 Genomes Project 30x 0.00016; 1000 Genomes Project 0.00020.
gnomAD v4.1: 25 of 1,614,136 alleles (0.0015%); highest among the groups gnomAD compares: East Asian, 0.013%; 1 homozygote.

Submission:

GeneDx
Classification: Uncertain significance. Last evaluated: 2021-05-25. Review status: criteria provided, single submitter. Criteria: GeneDx Variant Classification Process June 2021. Collection method: clinical testing. Allele origin: germline. Affected: yes.
Comment: In silico analysis supports that this missense variant has a deleterious effect on protein structure/function; Has not been previously published as pathogenic or benign to our knowledge

NM_001715.3(BLK):c.760G>A (p.Glu254Lys)

Genes: BLK (BLK proto-oncogene, Src family tyrosine kinase), BLK-AS1 (BLK antisense RNA 1). Cytogenetic location: 8p23.1.
Variant type: single nucleotide variant.
Coding change: c.760G>A on transcript NM_001715.3 (MANE Select); coding-DNA position 760, G replaced by A.
Protein change: p.Glu254Lys; replaces glutamic acid 254 with lysine.
Molecular consequence: missense variant.
Genome position (GRCh38, 1-based): chr8:11,555,472, G>A. VCF-style: chr8-11555472-G-A. GRCh37 (hg19) VCF-style: chr8-11412981-G-A.
Other names: c.547G>A, p.Glu183Lys (NM_001330465.2); short protein forms E183K, E254K.
Identifiers: ClinVar variation 1326411 (VCV001326411.2), dbSNP rs200515443, ClinGen allele CA4630065.